The following is an entry in ClinVar:

NM_015662.3(IFT172):c.1167+3A>G

Gene: IFT172 (intraflagellar transport 172; minus strand). Cytogenetic location: 2p23.3.
Variant type: single nucleotide variant.
Coding change: c.1167+3A>G on transcript NM_015662.3 (MANE Select); 3 bases into the intron after coding-DNA position 1167, A replaced by G.
Molecular consequence: intron variant.
Genome position (GRCh38, 1-based): chr2:27,477,992, T>C on the plus strand (A>G on the coding strand, the complement: IFT172 is on the minus strand). VCF-style: chr2-27477992-T-C. GRCh37 (hg19) VCF-style: chr2-27700859-T-C.
Identifiers: ClinVar variation 1389335 (VCV001389335.6), dbSNP rs2148543961, ClinGen allele CA2573134439.

ClinVar aggregate classification (germline): Uncertain significance (1 of 4 stars; one submission).

Conditions:
Short-rib thoracic dysplasia 10 with or without polydactyly (SRTD10). Identifiers: Orphanet 474, MedGen C3810175, MONDO:0014284, OMIM 615630.
Retinitis pigmentosa 71 (RP71). Identifiers: Orphanet 791, MedGen C4225342, MONDO:0014618, OMIM 616394.

Submission:

Labcorp Genetics (formerly Invitae), Labcorp
Classification: Uncertain significance for Retinitis pigmentosa 71; Short-rib thoracic dysplasia 10 with or without polydactyly. Last evaluated: 2023-05-15. Review status: criteria provided, single submitter. Criteria: Invitae Variant Classification Sherloc (09022015). Collection method: clinical testing. Allele origin: germline.
Comment: In summary, the available evidence is currently insufficient to determine the role of this variant in disease. Therefore, it has been classified as a Variant of Uncertain Significance. Variants that disrupt the consensus splice site are a relatively common cause of aberrant splicing (PMID: 17576681, 9536098). Algorithms developed to predict the effect of sequence changes on RNA splicing suggest that this variant is not likely to affect RNA splicing. ClinVar contains an entry for this variant (Variation ID: 1389335). This variant has not been reported in the literature in individuals affected with IFT172-related conditions. This variant is not present in population databases (gnomAD no frequency). This sequence change falls in intron 11 of the IFT172 gene. It does not directly change the encoded amino acid sequence of the IFT172 protein. It affects a nucleotide within the consensus splice site.

Literature cited by the submitters: PubMed 17576681; PubMed 9536098.